The following is an entry in ClinVar:

ClinVar aggregate classification (germline): Uncertain significance (1 of 4 stars; one submission).

Allele frequency attached by ClinVar (database versions not stated): gnomAD exomes below 0.00001; TOPMed below 0.00001; ExAC 0.00001; gnomAD 0.00001.
gnomAD v4.1: 4 of 1,613,846 alleles (0.00025%); highest among the groups gnomAD compares: Admixed American, 0.0033%; no homozygotes.

Submission:

Ambry Genetics
Classification: Uncertain significance. Last evaluated: 2024-01-14. Review status: criteria provided, single submitter. Criteria: Ambry Variant Classification Scheme 2023. Collection method: clinical testing. Allele origin: germline.
Comment: The p.P693L variant (also known as c.2078C>T), located in coding exon 18 of the RAD54L gene, results from a C to T substitution at nucleotide position 2078. The proline at codon 693 is replaced by leucine, an amino acid with similar properties. This amino acid position is conserved. In addition, the in silico prediction for this alteration is inconclusive. Since supporting evidence is limited at this time, the clinical significance of this alteration remains unclear.

NM_003579.4(RAD54L):c.2078C>T (p.Pro693Leu)

Genes: LRRC41 (leucine rich repeat containing 41; minus strand), RAD54L (RAD54 like; plus strand). Cytogenetic location: 1p34.1.
Variant type: single nucleotide variant.
Coding change: c.2078C>T on transcript NM_003579.4 (MANE Select); coding-DNA position 2078, C replaced by T.
Protein change: p.Pro693Leu; replaces proline 693 with leucine.
Molecular consequence: missense variant. On other transcripts: 3 prime UTR variant (1).
Genome position (GRCh38, 1-based): chr1:46,278,116, C>T. VCF-style: chr1-46278116-C-T. GRCh37 (hg19) VCF-style: chr1-46743788-C-T.
Other names: c.*749G>A (NM_006369.5); c.2078C>T, p.Pro693Leu (NM_001142548.2); c.1538C>T, p.Pro513Leu (NM_001370766.1); short protein forms P513L, P693L.
Identifiers: ClinVar variation 1785490 (VCV001785490.2), dbSNP rs752210354, ClinGen allele CA834807.